The following is an entry in ClinVar:

NM_001127208.3(TET2):c.1480G>A (p.Gly494Arg)

Genes: TET2 (tet methylcytosine dioxygenase 2; plus strand), TET2-AS1 (TET2 antisense RNA 1; minus strand). Cytogenetic location: 4q24.
Variant type: single nucleotide variant.
Coding change: c.1480G>A on transcript NM_001127208.3 (MANE Select); coding-DNA position 1480, G replaced by A.
Protein change: p.Gly494Arg; replaces glycine 494 with arginine.
Molecular consequence: missense variant.
Genome position (GRCh38, 1-based): chr4:105,235,422, G>A. VCF-style: chr4-105235422-G-A. GRCh37 (hg19) VCF-style: chr4-106156579-G-A.
Other names: c.1480G>A, p.Gly494Arg (NM_017628.4); short protein forms G494R.
Identifiers: ClinVar variation 4594130 (VCV004594130.1).

ClinVar aggregate classification (germline): Uncertain significance (1 of 4 stars; one submission).

gnomAD v4.1: 1 of 1,614,158 alleles (0.000062%); no homozygotes.

Submission:

Ambry Genetics
Classification: Uncertain significance. Last evaluated: 2025-09-28. Review status: criteria provided, single submitter. Criteria: Ambry Variant Classification Scheme 2023. Collection method: clinical testing. Allele origin: germline.
Comment: The p.G494R variant (also known as c.1480G>A), located in coding exon 1 of the TET2 gene, results from a G to A substitution at nucleotide position 1480. The glycine at codon 494 is replaced by arginine, an amino acid with dissimilar properties. This amino acid position is conserved. In addition, this alteration is predicted to be tolerated by in silico analysis. Based on the available evidence, the clinical significance of this variant remains unclear.